The following is an entry in ClinVar:

NM_015474.4(SAMHD1):c.852+1G>T

Gene: SAMHD1 (SAM and HD domain containing deoxynucleoside triphosphate triphosphohydrolase 1; minus strand). Cytogenetic location: 20q11.23.
Variant type: single nucleotide variant.
Coding change: c.852+1G>T on transcript NM_015474.4 (MANE Select); the canonical splice donor site of the intron after coding-DNA position 852, G replaced by T.
Molecular consequence: splice donor variant.
Genome position (GRCh38, 1-based): chr20:36,919,363, C>A on the plus strand (G>T on the coding strand, the complement: SAMHD1 is on the minus strand). VCF-style: chr20-36919363-C-A. GRCh37 (hg19) VCF-style: chr20-35547766-C-A.
Other names: c.852+1G>T (NM_001363729.2, NM_001363733.2).
Identifiers: ClinVar variation 1475703 (VCV001475703.8), dbSNP rs780504624, ClinGen allele CA9844640.

ClinVar aggregate classification (germline): Likely pathogenic (1 of 4 stars; one submission).

Conditions:
Aicardi-Goutieres syndrome 5. Identifiers: Orphanet 51, MedGen C2749659, MONDO:0013059, OMIM 612952.

Allele frequency attached by ClinVar (database versions not stated): gnomAD exomes below 0.00001; ExAC 0.00001.
gnomAD v4.1: 3 of 1,613,150 alleles (0.00019%); highest among the groups gnomAD compares: Non-Finnish European, 0.00025%; no homozygotes.

Submission:

Labcorp Genetics (formerly Invitae), Labcorp
Classification: Likely pathogenic for Aicardi-Goutieres syndrome 5. Last evaluated: 2024-05-17. Review status: criteria provided, single submitter. Criteria: Invitae Variant Classification Sherloc (09022015). Collection method: clinical testing. Allele origin: germline.
Comment: This sequence change affects a donor splice site in intron 7 of the SAMHD1 gene. It is expected to disrupt RNA splicing. Variants that disrupt the donor or acceptor splice site typically lead to a loss of protein function (PMID: 16199547), and loss-of-function variants in SAMHD1 are known to be pathogenic (PMID: 19525956, 22461318). This variant is present in population databases (rs780504624, gnomAD 0.0009%). This variant has not been reported in the literature in individuals affected with SAMHD1-related conditions. ClinVar contains an entry for this variant (Variation ID: 1475703). Algorithms developed to predict the effect of sequence changes on RNA splicing suggest that this variant may disrupt the consensus splice site. In summary, the currently available evidence indicates that the variant is pathogenic, but additional data are needed to prove that conclusively. Therefore, this variant has been classified as Likely Pathogenic.

Literature cited by the submitters: PubMed 16199547; PubMed 19525956; PubMed 22461318.